The following is an entry in ClinVar:

NM_014140.4(SMARCAL1):c.485del (p.Pro162fs)

Gene: SMARCAL1 (SNF2 related chromatin remodeling annealing helicase 1; plus strand). Cytogenetic location: 2q35.
Variant type: Deletion.
Coding change: c.485del on transcript NM_014140.4 (MANE Select); coding-DNA position 485, one base deleted (C; older notation c.485delC).
Protein change: p.Pro162fs; shifts the reading frame from proline 162.
Molecular consequence: frameshift variant.
Genome position (GRCh38, 1-based): chr2:216,415,189, C deleted; the last of 3 consecutive C bases (chr2:216,415,187-216,415,189); deleting any one gives the same sequence. VCF-style (leftmost placement, unchanged base first): chr2-216415186-AC-A. GRCh37 (hg19) VCF-style: chr2-217279909-AC-A.
Other names: c.485del, p.Pro162fs (NM_001127207.2); c.485delC, p.Pro162Glnfs (NM_014140.3); short protein forms P162fs.
Identifiers: ClinVar variation 4815608 (VCV004815608.1).

ClinVar aggregate classification (germline): Likely pathogenic (1 of 4 stars; one submission).

Conditions:
Schimke immuno-osseous dysplasia (SIOD). Also called: Schimke Immunoosseous Dysplasia. Identifiers: Orphanet 1830, MedGen C0877024, MONDO:0009458, OMIM 242900.

Submission:

Natera, Inc.
Classification: Likely pathogenic for Schimke immuno-osseous dysplasia. Last evaluated: 2025-07-09. Review status: criteria provided, single submitter. Criteria: Natera Variant Classification Schema (03/2026). Collection method: clinical testing. Allele origin: germline.
Comment: The c.485del variant in SMARCAL1 is a frameshift variant predicted to shift the reading frame beginning at codon 162 and leads to a stop codon 29 codons downstream. This variant is expected to result in nonsense mediated decay, truncation, or a dysfunctional protein product. This variant is rare in the general population with a frequency below the threshold expected for the associated phenotype(s). Given the available evidence, this variant is classified as Likely Pathogenic.